The following is an entry in ClinVar:

ClinVar aggregate classification (germline): Likely pathogenic (0 of 4 stars; one submission).

Conditions:
RIN2-related disorder. Also called: RIN2-related condition.

Submission:

PreventionGenetics, part of Exact Sciences
Classification: Likely pathogenic for RIN2-related condition. Last evaluated: 2024-09-20. Review status: no assertion criteria provided. Collection method: clinical testing. Allele origin: germline.
Comment: The RIN2 c.498+2T>A variant is predicted to disrupt the GT donor site and interfere with normal splicing. To our knowledge, this variant has not been reported in the literature or in a large population database, indicating this variant is rare. Variants that disrupt the consensus splice donor site in RIN2 are expected to be pathogenic. This variant is interpreted as likely pathogenic.

NM_018993.4(RIN2):c.351+2T>A

Gene: RIN2 (Ras and Rab interactor 2; plus strand). Cytogenetic location: 20p11.23.
Variant type: single nucleotide variant.
Coding change: c.351+2T>A on transcript NM_018993.4 (MANE Select); the canonical splice donor site of the intron after coding-DNA position 351, T replaced by A.
Molecular consequence: splice donor variant.
Genome position (GRCh38, 1-based): chr20:19,956,809, T>A. VCF-style: chr20-19956809-T-A. GRCh37 (hg19) VCF-style: chr20-19937453-T-A.
Other names: c.-195+2T>A (NM_001378238.1); c.498+2T>A (NM_001242581.2).
Identifiers: ClinVar variation 3346911 (VCV003346911.1).